The following is an entry in ClinVar:

ClinVar aggregate classification (germline): Likely benign. Review status: criteria provided, multiple submitters, no conflicts (2 of 4 stars). 2 submissions from 2 submitters: Likely benign (2). Last evaluated 2023-09-30.

Conditions:
Familial thoracic aortic aneurysm and aortic dissection (TAAD). Also called: Thoracic aortic aneurysms and dissections. Identifiers: Orphanet 91387, MedGen C4707243, MONDO:0019625.

Allele frequency attached by ClinVar (database versions not stated): gnomAD exomes below 0.00001; ExAC 0.00001.
gnomAD v4.1: 1 of 1,613,694 alleles (0.000062%); highest among the groups gnomAD compares: Non-Finnish European, 0.000085%; no homozygotes.

Submissions (2):

Ambry Genetics
Classification: Likely benign for Familial thoracic aortic aneurysm and aortic dissection. Last evaluated: 2023-09-30. Review status: criteria provided, single submitter. Criteria: Ambry Variant Classification Scheme 2023. Collection method: clinical testing. Allele origin: germline.

GeneDx
Classification: Likely benign. Last evaluated: 2016-10-26. Review status: criteria provided, single submitter. Criteria: GeneDx Variant Classification (06012015). Collection method: clinical testing. Allele origin: germline. Affected: yes.
Comment: This variant is considered likely benign or benign based on one or more of the following criteria: it is a conservative change, it occurs at a poorly conserved position in the protein, it is predicted to be benign by multiple in silico algorithms, and/or has population frequency not consistent with disease.

NM_000093.5(COL5A1):c.231C>T (p.Val77=)

Gene: COL5A1 (collagen type V alpha 1 chain; plus strand). Cytogenetic location: 9q34.3.
Variant type: single nucleotide variant.
Coding change: c.231C>T on transcript NM_000093.5 (MANE Select); coding-DNA position 231, C replaced by T.
Protein change: p.Val77=; no amino-acid change (valine 77 retained).
Molecular consequence: synonymous variant.
Genome position (GRCh38, 1-based): chr9:134,691,033, C>T. VCF-style: chr9-134691033-C-T. GRCh37 (hg19) VCF-style: chr9-137582879-C-T.
Other names: c.231C>T, p.Val77= (NM_001278074.1).
Identifiers: ClinVar variation 390328 (VCV000390328.2), dbSNP rs767430471, ClinGen allele CA5318239.